The following is an entry in ClinVar:

ClinVar aggregate classification (germline): Uncertain significance (1 of 4 stars; one submission).

Submission:

GeneDx
Classification: Uncertain significance. Last evaluated: 2020-06-25. Review status: criteria provided, single submitter. Criteria: GeneDx Variant Classification Process June 2021. Collection method: clinical testing. Allele origin: germline. Affected: yes.
Comment: Not observed in large population cohorts (Lek et al., 2016); In silico analysis supports that this missense variant has a deleterious effect on protein structure/function; Has not been previously published as pathogenic or benign to our knowledge

NM_000138.5(FBN1):c.2909C>A (p.Pro970His)

Gene: FBN1 (fibrillin 1; minus strand). Cytogenetic location: 15q21.1.
Variant type: single nucleotide variant.
Coding change: c.2909C>A on transcript NM_000138.5 (MANE Select); coding-DNA position 2909, C replaced by A.
Protein change: p.Pro970His; replaces proline 970 with histidine.
Molecular consequence: missense variant.
Genome position (GRCh38, 1-based): chr15:48,490,024, G>T on the plus strand (C>A on the coding strand, the complement: FBN1 is on the minus strand). VCF-style: chr15-48490024-G-T. GRCh37 (hg19) VCF-style: chr15-48782221-G-T.
Other names: short protein forms P970H.
Identifiers: ClinVar variation 1312801 (VCV001312801.2), dbSNP rs751985082, ClinGen allele CA392329842.